The following is an entry in ClinVar:

ClinVar aggregate classification (germline): Uncertain significance (1 of 4 stars; one submission).

Submission:

GeneDx
Classification: Uncertain significance. Last evaluated: 2026-08-18. Review status: criteria provided, single submitter. Criteria: GeneDx Variant Classification Process June 2021. Collection method: clinical testing. Allele origin: germline.
Comment: Not observed at significant frequency in large population cohorts (gnomAD); Canonical splice site variant in a gene or region of a gene for which loss of function is not a well-established mechanism of disease; Has not been previously published as pathogenic or benign to our knowledge

NM_007192.4(SUPT16H):c.1047-1G>A

Gene: SUPT16H (SPT16 homolog, facilitates chromatin remodeling subunit; minus strand). Cytogenetic location: 14q11.2.
Variant type: single nucleotide variant.
Coding change: c.1047-1G>A on transcript NM_007192.4 (MANE Select); the canonical splice acceptor site of the intron before coding-DNA position 1047, G replaced by A.
Molecular consequence: splice acceptor variant.
Genome position (GRCh38, 1-based): chr14:21,365,144, C>T on the plus strand (G>A on the coding strand, the complement: SUPT16H is on the minus strand). VCF-style: chr14-21365144-C-T. GRCh37 (hg19) VCF-style: chr14-21833303-C-T.
Identifiers: ClinVar variation 4528068 (VCV004528068.2).